The following is an entry in ClinVar:

NM_005076.5(CNTN2):c.215G>A (p.Arg72Gln)

Gene: CNTN2 (contactin 2; plus strand). Cytogenetic location: 1q32.1.
Variant type: single nucleotide variant.
Coding change: c.215G>A on transcript NM_005076.5 (MANE Select); coding-DNA position 215, G replaced by A.
Protein change: p.Arg72Gln; replaces arginine 72 with glutamine.
Molecular consequence: missense variant. On other transcripts: non-coding transcript variant (1).
Genome position (GRCh38, 1-based): chr1:205,058,065, G>A. VCF-style: chr1-205058065-G-A. GRCh37 (hg19) VCF-style: chr1-205027193-G-A.
Other names: c.215G>A, p.Arg72Gln (NM_001346083.2); short protein forms R72Q.
Identifiers: ClinVar variation 1380566 (VCV001380566.3), dbSNP rs145070278, ClinGen allele CA1350951.

ClinVar aggregate classification (germline): Uncertain significance (1 of 4 stars; one submission).

Conditions:
Epilepsy, familial adult myoclonic, 5 (EPEO5). Also called: CORTICAL MYOCLONIC TREMOR WITH EPILEPSY, FAMILIAL, 5. Identifiers: Orphanet 86814, MedGen C3809374, MONDO:0014167, OMIM 615400.

Allele frequency attached by ClinVar (database versions not stated): gnomAD 0.00003 and 0.00004; TOPMed 0.00003; ESP Exome Variant Server 0.00015.
gnomAD v4.1: 16 of 1,613,118 alleles (0.00099%); highest among the groups gnomAD compares: Middle Eastern, 0.016%; no homozygotes.

Submission:

Labcorp Genetics (formerly Invitae), Labcorp
Classification: Uncertain significance for Epilepsy, familial adult myoclonic, 5. Last evaluated: 2022-08-16. Review status: criteria provided, single submitter. Criteria: Invitae Variant Classification Sherloc (09022015). Collection method: clinical testing. Allele origin: germline.
Comment: This sequence change replaces arginine, which is basic and polar, with glutamine, which is neutral and polar, at codon 72 of the CNTN2 protein (p.Arg72Gln). This variant also falls at the last nucleotide of exon 3, which is part of the consensus splice site for this exon. This variant is present in population databases (rs145070278, gnomAD 0.03%). This variant has not been reported in the literature in individuals affected with CNTN2-related conditions. ClinVar contains an entry for this variant (Variation ID: 1380566). Algorithms developed to predict the effect of missense changes on protein structure and function are either unavailable or do not agree on the potential impact of this missense change (SIFT: "Tolerated"; PolyPhen-2: "Probably Damaging"; Align-GVGD: "Class C0"). Variants that disrupt the consensus splice site are a relatively common cause of aberrant splicing (PMID: 17576681, 9536098). Algorithms developed to predict the effect of sequence changes on RNA splicing suggest that this variant may disrupt the consensus splice site. In summary, the available evidence is currently insufficient to determine the role of this variant in disease. Therefore, it has been classified as a Variant of Uncertain Significance.

Literature cited by the submitters: PubMed 17576681; PubMed 9536098.